The following is an entry in ClinVar:

NM_005188.4(CBL):c.1032T>A (p.Asn344Lys)

Gene: CBL (Cbl proto-oncogene; plus strand). Cytogenetic location: 11q23.3.
Variant type: single nucleotide variant.
Coding change: c.1032T>A on transcript NM_005188.4 (MANE Select); coding-DNA position 1032, T replaced by A.
Protein change: p.Asn344Lys; replaces asparagine 344 with lysine.
Molecular consequence: missense variant.
Genome position (GRCh38, 1-based): chr11:119,277,781, T>A. VCF-style: chr11-119277781-T-A. GRCh37 (hg19) VCF-style: chr11-119148491-T-A.
Other names: short protein forms N344K.
Identifiers: ClinVar variation 4868281 (VCV004868281.1).

ClinVar aggregate classification (germline): Uncertain significance (1 of 4 stars; one submission).

Conditions:
Cardiovascular phenotype. Identifiers: MedGen CN230736.

Submission:

Ambry Genetics
Classification: Uncertain significance for Cardiovascular phenotype. Last evaluated: 2026-06-09. Review status: criteria provided, single submitter. Criteria: Ambry Variant Classification Scheme 2023. Collection method: clinical testing. Allele origin: germline.
Comment: The p.N344K variant (also known as c.1032T>A), located in coding exon 7 of the CBL gene, results from a T to A substitution at nucleotide position 1032. The asparagine at codon 344 is replaced by lysine, an amino acid with similar properties. This amino acid position is conserved. In addition, this alteration is predicted to be tolerated by in silico analysis. Based on the available evidence, the clinical significance of this variant remains unclear.